The following is an entry in ClinVar:

ClinVar aggregate classification (germline): Likely pathogenic. Review status: criteria provided, single submitter (1 of 4 stars). 2 submissions from 2 submitters: Likely pathogenic (1). 1 of the submissions does not count toward it. Last evaluated 2024-05-16.

Conditions:
Tuberous sclerosis 1 (TSC1). Identifiers: Orphanet 805, MedGen C1854465, MONDO:0008612, OMIM 191100.
Tuberous sclerosis syndrome (TSC). Also called: Tuberous Sclerosis Complex; Tuberous sclerosis. Identifiers: Orphanet 805, MedGen C0041341, MONDO:0001734.

Submissions (2):

Labcorp Genetics (formerly Invitae), Labcorp
Classification: Likely pathogenic for Tuberous sclerosis 1. Last evaluated: 2024-05-16. Review status: criteria provided, single submitter. Criteria: Invitae Variant Classification Sherloc (09022015). Collection method: clinical testing. Allele origin: germline.
Comment: This variant results in the deletion of part of exon 2 (c.901_913+1del) of the TSC1 gene. It is expected to disrupt RNA splicing. Variants that disrupt the donor or acceptor splice site typically lead to a loss of protein function (PMID: 16199547), and loss-of-function variants in TSC1 are known to be pathogenic (PMID: 10227394, 17304050). This variant is not present in population databases (gnomAD no frequency). This variant has been observed in individual(s) with Tuberous sclerosis complex (PMID: 10363127). This variant is also known as 1122–1134+­1del14. ClinVar contains an entry for this variant (Variation ID: 49121). In summary, the currently available evidence indicates that the variant is pathogenic, but additional data are needed to prove that conclusively. Therefore, this variant has been classified as Likely Pathogenic.

Tuberous sclerosis database (TSC1)
No classification provided. Condition: TSC. Review status: no classification provided. Criteria: Tuberous Sclerosis Database Assertion Criteria 2015. Collection method: curation. Allele origin: germline. Affected: yes. Not counted in ClinVar's aggregate classification.

Literature cited by the submitters: PubMed 16199547 (cited by Labcorp Genetics (formerly Invitae), Labcorp); PubMed 10227394 (cited by Labcorp Genetics (formerly Invitae), Labcorp); PubMed 17304050 (cited by Labcorp Genetics (formerly Invitae), Labcorp); PubMed 10363127 (cited by Labcorp Genetics (formerly Invitae), Labcorp).

NM_000368.5(TSC1):c.901_913+1del

Gene: TSC1 (TSC complex subunit 1; minus strand). Cytogenetic location: 9q34.13.
Variant type: Deletion.
Coding change: c.901_913+1del on transcript NM_000368.5 (MANE Select); coding-DNA position 901 through the canonical splice donor site of the intron after coding-DNA position 913, 14 bases deleted (CAGAATAGCTATGG).
Molecular consequence: splice donor variant.
Genome position (GRCh38, 1-based): chr9:132,912,281-132,912,294, CCATAGCTATTCTG deleted on the plus strand (CAGAATAGCTATGG on the coding strand, the reverse complement: TSC1 is on the minus strand). VCF-style (leftmost placement, unchanged base first): chr9-132912280-ACCATAGCTATTCTG-A. GRCh37 (hg19) VCF-style: chr9-135787667-ACCATAGCTATTCTG-A.
Other names: c.538_550+1del (NM_001362177.2); c.748_760+1del (NM_001162427.2); c.901_913+1del (NM_001162426.2).
Identifiers: ClinVar variation 49121 (VCV000049121.4), dbSNP rs118203465, ClinGen allele CA262421.